The following is an entry in ClinVar:

ClinVar aggregate classification (germline): Uncertain significance (1 of 4 stars; one submission).

Conditions:
Neu-Laxova syndrome 2. Identifiers: Orphanet 2671, Orphanet 583602, MedGen C4015019, MONDO:0014466, OMIM 616038.

gnomAD v4.1: 1 of 1,614,048 alleles (0.000062%); highest among the groups gnomAD compares: Non-Finnish European, 0.000085%; no homozygotes.

Submission:

Labcorp Genetics (formerly Invitae), Labcorp
Classification: Uncertain significance for Neu-Laxova syndrome 2. Last evaluated: 2024-02-23. Review status: criteria provided, single submitter. Criteria: Invitae Variant Classification Sherloc (09022015). Collection method: clinical testing. Allele origin: germline.
Comment: This sequence change replaces glycine, which is neutral and non-polar, with valine, which is neutral and non-polar, at codon 235 of the PSAT1 protein (p.Gly235Val). This variant is not present in population databases (gnomAD no frequency). This variant has not been reported in the literature in individuals affected with PSAT1-related conditions. ClinVar contains an entry for this variant (Variation ID: 1382075). Advanced modeling of protein sequence and biophysical properties (such as structural, functional, and spatial information, amino acid conservation, physicochemical variation, residue mobility, and thermodynamic stability) performed at Invitae indicates that this missense variant is not expected to disrupt PSAT1 protein function with a negative predictive value of 80%. In summary, the available evidence is currently insufficient to determine the role of this variant in disease. Therefore, it has been classified as a Variant of Uncertain Significance.

NM_058179.4(PSAT1):c.704G>T (p.Gly235Val)

Gene: PSAT1 (phosphoserine aminotransferase 1; plus strand). Cytogenetic location: 9q21.2.
Variant type: single nucleotide variant.
Coding change: c.704G>T on transcript NM_058179.4 (MANE Select); coding-DNA position 704, G replaced by T.
Protein change: p.Gly235Val; replaces glycine 235 with valine.
Molecular consequence: missense variant.
Genome position (GRCh38, 1-based): chr9:78,308,547, G>T. VCF-style: chr9-78308547-G-T. GRCh37 (hg19) VCF-style: chr9-80923463-G-T.
Other names: c.704G>T, p.Gly235Val (NM_021154.5); short protein forms G235V.
Identifiers: ClinVar variation 1382075 (VCV001382075.6), dbSNP rs1828219128, ClinGen allele CA373874409.
Genomic context (GRCh38, chr9:78,308,547, plus strand): 5'-ACCTGCTGGGGTTTGCCCTCCGAGAGTGCCCCTCGGTCCTGGAATACAAGGTGCAGGCTG[G>T]AAACAGCTCCTTGTACAACACGCCTCCATGTTTCAGGTAACTCTGGGAGTCAGTCTTGTG-3'
Protein context (NP_478059.1, residues 225-245): PSVLEYKVQA[Gly235Val]NSSLYNTPPC